The following is an entry in ClinVar:

ClinVar aggregate classification (germline): Pathogenic/Likely pathogenic. Review status: criteria provided, multiple submitters, no conflicts (2 of 4 stars). 5 submissions from 5 submitters: Pathogenic (2); Likely pathogenic (3). Last evaluated 2025-07-01.

Conditions:
Hereditary cancer-predisposing syndrome. Also called: Hereditary neoplastic syndrome; Tumor predisposition; Neoplastic Syndromes, Hereditary; Hereditary Cancer Syndrome. Identifiers: Orphanet 140162, MedGen C0027672, MeSH D009386, MONDO:0015356.
Peutz-Jeghers syndrome (PJS). Also called: Peutz-Jeghers polyposis; Periorificial lentiginosis syndrome; POLYPOSIS, HAMARTOMATOUS INTESTINAL; POLYPS-AND-SPOTS SYNDROME. Identifiers: Orphanet 2869, MedGen C0031269, MeSH D010580, MONDO:0008280, OMIM 175200.

Submissions (5):

Ambry Genetics
Classification: Pathogenic for Hereditary cancer-predisposing syndrome. Last evaluated: 2025-07-01. Review status: criteria provided, single submitter. Criteria: Ambry Variant Classification Scheme 2023. Collection method: clinical testing. Allele origin: germline.
Comment: The c.920+1G>A intronic pathogenic mutation results from a G to A substitution one nucleotide after coding exon 7 of the STK11 gene. This variant was reported in individual(s) with features consistent with Peutz-Jeghers syndrome (PJS) (Aslan PG et al. Turk J Gastroenterol, 2024 Mar;35:374-384; Ambry internal data). This variant is considered to be rare based on population cohorts in the Genome Aggregation Database (gnomAD). This nucleotide position is highly conserved in available vertebrate species. In silico splice site analysis predicts that this alteration will weaken the native splice donor site. In addition to the clinical data presented in the literature, alterations that disrupt the canonical splice site are expected to cause aberrant splicing, resulting in an abnormal protein or a transcript that is subject to nonsense-mediated mRNA decay. Based on the supporting evidence, this variant is interpreted as a disease-causing mutation.

Myriad Genetics, Inc.
Classification: Likely pathogenic for Peutz-Jeghers syndrome. Last evaluated: 2024-02-12. Review status: criteria provided, single submitter. Criteria: Myriad Autosomal Dominant, Autosomal Recessive and X-Linked Classification Criteria (2023). Collection method: clinical testing. Allele origin: unknown.
Comment: This variant is considered likely pathogenic. This variant occurs within a consensus splice junction and is predicted to result in abnormal mRNA splicing of either an out-of-frame exon or an in-frame exon necessary for protein stability and/or normal function.

Labcorp Genetics (formerly Invitae), Labcorp
Classification: Likely pathogenic for Peutz-Jeghers syndrome. Last evaluated: 2022-06-15. Review status: criteria provided, single submitter. Criteria: Invitae Variant Classification Sherloc (09022015). Collection method: clinical testing. Allele origin: germline.
Comment: In summary, the currently available evidence indicates that the variant is pathogenic, but additional data are needed to prove that conclusively. Therefore, this variant has been classified as Likely Pathogenic. Algorithms developed to predict the effect of sequence changes on RNA splicing suggest that this variant may disrupt the consensus splice site. ClinVar contains an entry for this variant (Variation ID: 428755). This variant has not been reported in the literature in individuals affected with STK11-related conditions. This variant is not present in population databases (gnomAD no frequency). This sequence change affects a donor splice site in intron 7 of the STK11 gene. It is expected to disrupt RNA splicing. Variants that disrupt the donor or acceptor splice site typically lead to a loss of protein function (PMID: 16199547), and loss-of-function variants in STK11 are known to be pathogenic (PMID: 15188174, 16287113).

Genome-Nilou Lab
Classification: Pathogenic for Peutz-Jeghers syndrome. Last evaluated: 2021-07-15. Review status: criteria provided, single submitter. Criteria: ACMG Guidelines, 2015. Collection method: clinical testing. Allele origin: germline. Affected: no.

Mendelics
Classification: Likely pathogenic for Peutz-Jeghers syndrome. Last evaluated: 2018-07-02. Review status: criteria provided, single submitter. Criteria: Mendelics Assertion Criteria 2017. Collection method: clinical testing. Allele origin: unknown.

Literature cited by the submitters: PubMed 39115133 (cited by Ambry Genetics); PubMed 16199547 (cited by Labcorp Genetics (formerly Invitae), Labcorp); PubMed 15188174 (cited by Labcorp Genetics (formerly Invitae), Labcorp); PubMed 16287113 (cited by Labcorp Genetics (formerly Invitae), Labcorp).

NM_000455.5(STK11):c.920+1G>A

Gene: STK11 (serine/threonine kinase 11; plus strand). Cytogenetic location: 19p13.3.
Variant type: single nucleotide variant.
Coding change: c.920+1G>A on transcript NM_000455.5 (MANE Select); the canonical splice donor site of the intron after coding-DNA position 920, G replaced by A.
Molecular consequence: splice donor variant.
Genome position (GRCh38, 1-based): chr19:1,222,007, G>A. VCF-style: chr19-1222007-G-A. GRCh37 (hg19) VCF-style: chr19-1222006-G-A.
Other names: c.920+1G>A (NM_001407255.1).
Identifiers: ClinVar variation 428755 (VCV000428755.12), dbSNP rs1131690920, ClinGen allele CA402951344.